The following is an entry in ClinVar:

NM_005685.4(GTF2IRD1):c.966C>T (p.Ala322=)

Gene: GTF2IRD1 (GTF2I repeat domain containing 1; plus strand). Cytogenetic location: 7q11.23.
Variant type: single nucleotide variant.
Coding change: c.966C>T on transcript NM_005685.4 (MANE Select); coding-DNA position 966, C replaced by T.
Protein change: p.Ala322=; no amino-acid change (alanine 322 retained).
Molecular consequence: synonymous variant.
Genome position (GRCh38, 1-based): chr7:74,521,257, C>T. VCF-style: chr7-74521257-C-T. GRCh37 (hg19) VCF-style: chr7-73935587-C-T.
Other names: c.1062C>T, p.Ala354= (NM_001199207.2); c.966C>T, p.Ala322= (NM_016328.3).
Identifiers: ClinVar variation 709127 (VCV000709127.8), dbSNP rs139524001, ClinGen allele CA4296675.

ClinVar aggregate classification (germline): Benign/Likely benign. Review status: criteria provided, multiple submitters, no conflicts (2 of 4 stars). 4 submissions from 4 submitters: Benign (2); Likely benign (2). Last evaluated 2026-05-01.

Allele frequency attached by ClinVar (database versions not stated): gnomAD exomes 0.00045 and 0.00091; ExAC 0.00101; 1000 Genomes Project 30x 0.00312; gnomAD 0.00320 and 0.00343; ESP Exome Variant Server 0.00354; 1000 Genomes Project 0.00379; TOPMed 0.00382.
gnomAD v4.1: 1,201 of 1,612,126 alleles (0.074%); highest among the groups gnomAD compares: African/African-American, 1.2%; 12 homozygotes.

Submissions (4):

CeGaT Center for Human Genetics Tuebingen
Classification: Likely benign. Last evaluated: 2026-05-01. Review status: criteria provided, single submitter. Criteria: CeGaT Center For Human Genetics Tuebingen Variant Classification Criteria Version 2. Collection method: clinical testing. Allele origin: germline. Affected: yes. Observed: 1 variant allele.
Comment: GTF2IRD1: BP4, BP7, BS1

Blueprint Genetics
Classification: Likely benign. Last evaluated: 2024-11-13. Review status: criteria provided, single submitter. Criteria: ACMG Guidelines, 2015. Collection method: clinical testing. Allele origin: germline.

Labcorp Genetics (formerly Invitae), Labcorp
Classification: Benign. Last evaluated: 2019-12-31. Review status: criteria provided, single submitter. Criteria: Invitae Variant Classification Sherloc (09022015). Collection method: clinical testing. Allele origin: germline.

Breakthrough Genomics
Classification: Benign. Review status: criteria provided, single submitter. Criteria: ACMG Guidelines, 2015. Collection method: not provided. Allele origin: germline. Inheritance: Unknown mechanism. Affected: yes.